The following is an entry in ClinVar:

ClinVar aggregate classification (germline): Uncertain significance (1 of 4 stars; one submission).

Conditions:
Developmental and epileptic encephalopathy, 8 (DEE8). Also called: HYPEREKPLEXIA AND EPILEPSY. Identifiers: Orphanet 163985, Orphanet 2076, MedGen C1845102, MONDO:0010375, OMIM 300607.

gnomAD v4.1: 5 of 1,211,251 alleles (0.00041%); highest among the groups gnomAD compares: Non-Finnish European, 0.00056%; no homozygotes.

Submission:

Labcorp Genetics (formerly Invitae), Labcorp
Classification: Uncertain significance for Developmental and epileptic encephalopathy, 8. Last evaluated: 2024-02-23. Review status: criteria provided, single submitter. Criteria: Invitae Variant Classification Sherloc (09022015). Collection method: clinical testing. Allele origin: germline.
Comment: This sequence change replaces alanine, which is neutral and non-polar, with serine, which is neutral and polar, at codon 419 of the ARHGEF9 protein (p.Ala419Ser). This variant is not present in population databases (gnomAD no frequency). This variant has not been reported in the literature in individuals affected with ARHGEF9-related conditions. Advanced modeling of protein sequence and biophysical properties (such as structural, functional, and spatial information, amino acid conservation, physicochemical variation, residue mobility, and thermodynamic stability) has been performed at Invitae for this missense variant, however the output from this modeling did not meet the statistical confidence thresholds required to predict the impact of this variant on ARHGEF9 protein function. In summary, the available evidence is currently insufficient to determine the role of this variant in disease. Therefore, it has been classified as a Variant of Uncertain Significance.

NM_001353921.2(ARHGEF9):c.1276G>T (p.Ala426Ser)

Gene: ARHGEF9 (Cdc42 guanine nucleotide exchange factor 9; minus strand). Cytogenetic location: Xq11.1.
Variant type: single nucleotide variant.
Coding change: c.1276G>T on transcript NM_001353921.2 (MANE Select); coding-DNA position 1276, G replaced by T.
Protein change: p.Ala426Ser; replaces alanine 426 with serine.
Molecular consequence: missense variant. On other transcripts: intron variant (2).
Genome position (GRCh38, 1-based): chrX:63,655,539, C>A on the plus strand (G>T on the coding strand, the complement: ARHGEF9 is on the minus strand). VCF-style: chrX-63655539-C-A. GRCh37 (hg19) VCF-style: chrX-62875419-C-A.
Other names: c.1096G>T, p.Ala366Ser (NM_001173479.2); c.949G>T, p.Ala317Ser (NM_001173480.2, NM_001369042.1); c.1192G>T, p.Ala398Ser (NM_001330495.2, NM_001369033.1, NM_001369034.1 and 4 more transcripts); c.1144G>T, p.Ala382Ser (NM_001353922.2); c.1294G>T, p.Ala432Ser (NM_001353923.1); c.1075G>T, p.Ala359Ser (NM_001353924.2, NM_001353926.2, NM_001369039.1 and 1 more transcripts); c.1060G>T, p.Ala354Ser (NM_001353927.2, NM_001369041.1); c.1123G>T, p.Ala375Ser (NM_001353928.2); and 3 more; short protein forms A359S, A398S, A432S, A375S, A317S, A366S, A419S, A237S.
Identifiers: ClinVar variation 3711823 (VCV003711823.2).